The following is an entry in ClinVar:

NM_021072.4(HCN1):c.874G>A (p.Ala292Thr)

Gene: HCN1 (hyperpolarization activated cyclic nucleotide gated potassium channel 1; minus strand). Cytogenetic location: 5p12.
Variant type: single nucleotide variant.
Coding change: c.874G>A on transcript NM_021072.4 (MANE Select); coding-DNA position 874, G replaced by A.
Protein change: p.Ala292Thr; replaces alanine 292 with threonine.
Molecular consequence: missense variant.
Genome position (GRCh38, 1-based): chr5:45,461,983, C>T on the plus strand (G>A on the coding strand, the complement: HCN1 is on the minus strand). VCF-style: chr5-45461983-C-T. GRCh37 (hg19) VCF-style: chr5-45462085-C-T.
Other names: short protein forms A292T.
Identifiers: ClinVar variation 1216781 (VCV001216781.9), dbSNP rs1741171183, ClinGen allele CA359705060.
Genomic context (GRCh38, chr5:45,461,983, plus strand): 5'-CCCAGTGGCACAGGAGCAGCATCATGCCGATGAGATTAAAAATTCTCACCACTGCACTGG[C>T]GAGATCATATGTCATGTGGAATATCTGTTGACCAAAATATAAAATCAATTCTTATAATCA-3'
Protein context (NP_066550.2, residues 282-302): EEIFHMTYDL[Ala292Thr]SAVVRIFNLI

ClinVar aggregate classification (germline): Uncertain significance. Review status: criteria provided, multiple submitters, no conflicts (2 of 4 stars). 2 submissions from 2 submitters: Uncertain significance (2). Last evaluated 2024-01-09.

Conditions:
Inborn genetic diseases. Identifiers: MedGen C0950123, MeSH D030342.

Allele frequency attached by ClinVar (database versions not stated): gnomAD exomes below 0.00001; TOPMed below 0.00001.
gnomAD v4.1: 1 of 1,613,052 alleles (0.000062%); highest among the groups gnomAD compares: Non-Finnish European, 0.000085%; no homozygotes.

Submissions (2):

GeneDx
Classification: Uncertain significance. Last evaluated: 2024-01-09. Review status: criteria provided, single submitter. Criteria: GeneDx Variant Classification Process June 2021. Collection method: clinical testing. Allele origin: germline. Affected: yes.
Comment: Not observed at significant frequency in large population cohorts (gnomAD); In silico analysis supports that this missense variant has a deleterious effect on protein structure/function; Has not been previously published as pathogenic or benign to our knowledge

Ambry Genetics
Classification: Uncertain significance for Inborn genetic diseases. Last evaluated: 2022-11-17. Review status: criteria provided, single submitter. Criteria: Ambry Variant Classification Scheme 2023. Collection method: clinical testing. Allele origin: germline.